The following is an entry in ClinVar:

NM_001365536.1(SCN9A):c.3865C>T (p.Leu1289Phe)

Genes: SCN1A-AS1 (SCN1A and SCN9A antisense RNA 1; plus strand), SCN9A (sodium voltage-gated channel alpha subunit 9; minus strand). Cytogenetic location: 2q24.3.
Variant type: single nucleotide variant.
Coding change: c.3865C>T on transcript NM_001365536.1 (MANE Select); coding-DNA position 3865, C replaced by T.
Protein change: p.Leu1289Phe; replaces leucine 1289 with phenylalanine.
Molecular consequence: missense variant.
Genome position (GRCh38, 1-based): chr2:166,233,399, G>A on the plus strand (C>T on the coding strand, the complement: SCN9A is on the minus strand). VCF-style: chr2-166233399-G-A. GRCh37 (hg19) VCF-style: chr2-167089909-G-A.
Other names: c.3832C>T, p.Leu1278Phe (NM_002977.4); short protein forms L1278F, L1289F.
Identifiers: ClinVar variation 2938345 (VCV002938345.3), dbSNP rs2468991454, ClinGen allele CA349066481.

ClinVar aggregate classification (germline): Uncertain significance (1 of 4 stars; one submission).

Conditions:
Neuropathy, hereditary sensory and autonomic, type 2A (HSAN2A). Also called: ACROOSTEOLYSIS, GIACCAI TYPE; ACROOSTEOLYSIS, NEUROGENIC; MORVAN DISEASE; NEUROPATHY, CONGENITAL SENSORY; NEUROPATHY, HEREDITARY SENSORY RADICULAR, AUTOSOMAL RECESSIVE; NEUROPATHY, HEREDITARY SENSORY, TYPE IIA. Identifiers: Orphanet 970, MedGen C2752089, MONDO:0024309, OMIM 201300.
Generalized epilepsy with febrile seizures plus, type 7 (GEFSP7). Also called: GEFS+, TYPE 7. Identifiers: Orphanet 36387, MedGen C2751778, MONDO:0013470, OMIM 613863.

Allele frequency attached by ClinVar (database versions not stated): gnomAD exomes below 0.00001.
gnomAD v4.1: 1 of 1,582,240 alleles (0.000063%); highest among the groups gnomAD compares: Non-Finnish European, 0.000086%; no homozygotes.

Submission:

Labcorp Genetics (formerly Invitae), Labcorp
Classification: Uncertain significance for Neuropathy, hereditary sensory and autonomic, type 2A; Generalized epilepsy with febrile seizures plus, type 7. Last evaluated: 2023-12-19. Review status: criteria provided, single submitter. Criteria: Invitae Variant Classification Sherloc (09022015). Collection method: clinical testing. Allele origin: germline.
Comment: This sequence change replaces leucine, which is neutral and non-polar, with phenylalanine, which is neutral and non-polar, at codon 1278 of the SCN9A protein (p.Leu1278Phe). This variant is not present in population databases (gnomAD no frequency). This variant has not been reported in the literature in individuals affected with SCN9A-related conditions. Advanced modeling of protein sequence and biophysical properties (such as structural, functional, and spatial information, amino acid conservation, physicochemical variation, residue mobility, and thermodynamic stability) performed at Invitae indicates that this missense variant is not expected to disrupt SCN9A protein function with a negative predictive value of 80%. In summary, the available evidence is currently insufficient to determine the role of this variant in disease. Therefore, it has been classified as a Variant of Uncertain Significance.